The following is an entry in ClinVar:

NC_012920.1(MT-ND2):m.5244G>A

Gene: MT-ND2 (mitochondrially encoded NADH dehydrogenase 2; plus strand).
Variant type: single nucleotide variant.
Genome position: chrM-5244-G-A.
Identifiers: ClinVar variation 9717 (VCV000009717.4), dbSNP rs199476115, ClinGen allele CA340940.

ClinVar aggregate classification (germline): Uncertain significance. Review status: reviewed by expert panel (3 of 4 stars). 3 submissions from 3 submitters: Uncertain significance (1). 2 of the submissions do not count toward it. Last evaluated 2023-10-09.

Conditions:
Mitochondrial disease. Also called: Mitochondrial disorder; Mitochondrial disorders. Identifiers: Orphanet 68380, MedGen C0751651, MeSH D028361, MONDO:0044970.
Leber optic atrophy (LHON). Also called: Optic Atrophy, Hereditary, Leber; Leber hereditary optic neuropathy; Leber's disease; Leber's optic atrophy. Identifiers: Orphanet 104, MedGen C0917796, MONDO:0010788, OMIM 535000, HP:0001112.

Submissions (3):

ClinGen Mitochondrial Disease Nuclear and Mitochondrial  Variant Curation Expert Panel, ClinGen
Classification: Uncertain significance for Mitochondrial disease. Last evaluated: 2023-10-09. Review status: reviewed by expert panel. Criteria: McCormick et al. (Hum Mutat. 2020). Collection method: curation. Allele origin: germline. Inheritance: Mitochondrial inheritance.
Comment: The m.5244G>A (p.G259S) variant in MT-ND2 has been reported in one family (PMID: 1634041) with Leber Hereditary Optic Neuropathy (LHON), however individuals in this family also harbored other mitochondrial DNA variants also associated with LHON, making the association of this variant to the primary mitochondrial disease features in these individuals unclear. Furthermore, to our knowledge, nuclear genetic testing was not performed. There are no reports of large families with this variant segregating with disease. There are no reported de novo occurrences of this variant to our knowledge. The computational predictor MitoTIP suggests this variant is pathogenic (77 percentile, PP3). This variant is absent in the GenBank dataset, Helix dataset, and gnomAD v3.1.2 (PM2_supporting). In summary, this variant meets criteria to be classified as uncertain significance for primary mitochondrial disease inherited in a mitochondrial manner. This classification was approved by the NICHD/NINDS U24 ClinGen Mitochondrial Disease Variant Curation Expert Panel on October 9, 2023. Mitochondrial DNA-specific ACMG/AMP criteria applied (PMID: 32906214): PM2_supporting, PP3.

OMIM
Classification: Pathogenic for LEBER OPTIC ATROPHY. Last evaluated: 1992-01-01. Review status: no assertion criteria provided. Collection method: literature only. Allele origin: germline. Not counted in ClinVar's aggregate classification.

GeneReviews
No classification provided. Condition: Leber optic atrophy. Review status: no classification provided. Collection method: literature only. Allele origin: maternal. Not counted in ClinVar's aggregate classification.

Literature cited by the submitters: PubMed 1732158 (cited by OMIM); PubMed 30143805 (cited by GeneReviews); PubMed 20301353 (cited by GeneReviews).